The following is an entry in ClinVar:

ClinVar aggregate classification (germline): Uncertain significance (1 of 4 stars; one submission).

Allele frequency attached by ClinVar (database versions not stated): gnomAD exomes below 0.00001.
gnomAD v4.1: 1 of 1,614,046 alleles (0.000062%); highest among the groups gnomAD compares: Non-Finnish European, 0.000085%; no homozygotes.

Submission:

GeneDx
Classification: Uncertain significance. Last evaluated: 2022-12-18. Review status: criteria provided, single submitter. Criteria: GeneDx Variant Classification Process June 2021. Collection method: clinical testing. Allele origin: germline. Affected: yes.
Comment: Not observed at significant frequency in large population cohorts (gnomAD); In silico analysis supports that this missense variant has a deleterious effect on protein structure/function; Has not been previously published as pathogenic or benign to our knowledge

NM_018896.5(CACNA1G):c.4606G>A (p.Val1536Met)

Gene: CACNA1G (calcium voltage-gated channel subunit alpha1 G; plus strand). Cytogenetic location: 17q21.33.
Variant type: single nucleotide variant.
Coding change: c.4606G>A on transcript NM_018896.5 (MANE Select); coding-DNA position 4606, G replaced by A.
Protein change: p.Val1536Met; replaces valine 1536 with methionine.
Molecular consequence: missense variant. On other transcripts: non-coding transcript variant (5), intron variant (5).
Genome position (GRCh38, 1-based): chr17:50,607,920, G>A. VCF-style: chr17-50607920-G-A. GRCh37 (hg19) VCF-style: chr17-48685281-G-A.
Other names: c.4606G>A, p.Val1536Met (NM_001256324.2, NM_001256325.2, NM_001256327.2 and 9 more transcripts); c.4525G>A, p.Val1509Met (NM_001256359.2, NM_001256361.2); c.4531G>A, p.Val1511Met (NM_001256360.2); c.4537G>A, p.Val1513Met (NM_198376.3, NM_198379.3, NM_198382.3 and 4 more transcripts); c.4513-9G>A (NM_001256326.2, NM_001256330.2, NM_001256329.2 and 1 more transcripts); c.4444-9G>A (NM_001256332.2); short protein forms V1509M, V1511M, V1513M, V1536M.
Identifiers: ClinVar variation 2505612 (VCV002505612.1), dbSNP rs1477047546, ClinGen allele CA400258939.
Genomic context (GRCh38, chr17:50,607,920, plus strand): 5'-TACTTCATCTCGTTCCTGCTCATTGTGGCCTTCTTTGTCCTGAACATGTTTGTGGGTGTG[G>A]TGGTGGAGAACTTCCACAAGTGTCGGCAGCACCAGGAGGAAGAGGAGGCCCGGCGGCGGG-3'
Protein context (NP_061496.2, residues 1526-1546): FFVLNMFVGV[Val1536Met]VENFHKCRQH